The following is an entry in ClinVar:

NM_004006.3(DMD):c.9286+151G>A

Gene: DMD (dystrophin; minus strand). Cytogenetic location: Xp21.2.
Variant type: single nucleotide variant.
Coding change: c.9286+151G>A on transcript NM_004006.3 (MANE Select); 151 bases into the intron after coding-DNA position 9286, G replaced by A.
Molecular consequence: intron variant.
Genome position (GRCh38, 1-based): chrX:31,260,804, C>T on the plus strand (G>A on the coding strand, the complement: DMD is on the minus strand). VCF-style: chrX-31260804-C-T. GRCh37 (hg19) VCF-style: chrX-31278921-C-T.
Other names: c.9262+151G>A (NM_000109.4); c.5263+151G>A (NM_004011.4); c.5254+151G>A (NM_004012.4); c.1906+151G>A (NM_004023.3, NM_004020.4, NM_004022.3 and 2 more transcripts); c.1099+151G>A (NM_004014.3); c.82+151G>A (NM_004018.3, NM_004017.3, NM_004016.3 and 2 more transcripts); c.9274+151G>A (NM_004009.3); c.8917+151G>A (NM_004010.3).
Identifiers: ClinVar variation 676081 (VCV000676081.2), dbSNP rs113762299, ClinGen allele CA328412600.

ClinVar aggregate classification (germline): Likely benign. Review status: criteria provided, multiple submitters, no conflicts (2 of 4 stars). 2 submissions from 2 submitters: Likely benign (2). Last evaluated 2018-06-14.

Allele frequency attached by ClinVar (database versions not stated): gnomAD exomes 0.00105; gnomAD 0.00710 and 0.00766; 1000 Genomes Project 0.00795; 1000 Genomes Project 30x 0.00812; TOPMed 0.00876.
gnomAD v4.1: 1,202 of 478,913 alleles (0.25%); highest among the groups gnomAD compares: African/African-American, 2.6%; 12 homozygotes.

Submissions (2):

GeneDx
Classification: Likely benign. Last evaluated: 2018-06-14. Review status: criteria provided, single submitter. Criteria: GeneDx Variant Classification (06012015). Collection method: clinical testing. Allele origin: germline. Affected: yes.
Comment: This variant is considered likely benign or benign based on one or more of the following criteria: it is a conservative change, it occurs at a poorly conserved position in the protein, it is predicted to be benign by multiple in silico algorithms, and/or has population frequency not consistent with disease.

Breakthrough Genomics
Classification: Likely benign. Review status: criteria provided, single submitter. Criteria: ACMG Guidelines, 2015. Collection method: not provided. Allele origin: germline. Inheritance: X-linked inheritance. Affected: yes.